The following is an entry in ClinVar:

ClinVar aggregate classification (germline): Conflicting classifications of pathogenicity. Review status: criteria provided, conflicting classifications (1 of 4 stars). 6 submissions from 6 submitters: Uncertain significance (5); Likely benign (1). Last evaluated 2026-01-19.

Conditions:
Marfan syndrome (MFS). Also called: Marfan syndrome type 1; Marfan's syndrome; FBN1-Related Marfan Syndrome; MARFAN SYNDROME, TYPE I; Marfan syndrome, classic. Identifiers: Orphanet 284963, Orphanet 558, MedGen C0024796, MONDO:0007947, OMIM 154700.
Familial thoracic aortic aneurysm and aortic dissection (TAAD). Also called: Thoracic aortic aneurysms and dissections. Identifiers: Orphanet 91387, MedGen C4707243, MONDO:0019625.
Geleophysic dysplasia 2 (GPHYSD2). Identifiers: Orphanet 2623, MedGen C3280054, MONDO:0013612, OMIM 614185.
Acromicric dysplasia (ACMICD). Also called: Acromicric skeletal dysplasia. Identifiers: Orphanet 969, MedGen C0265287, MONDO:0007055, OMIM 102370.
Weill-Marchesani syndrome 2, dominant. Also called: FBN1-Related Weill-Marchesani Syndrome; Weill-Marchesani Syndrome, Autosomal Dominant. Identifiers: Orphanet 2084, MedGen C1869115, MONDO:0012013, OMIM 608328.
Ectopia lentis 1, isolated, autosomal dominant (ECTOL1). Identifiers: Orphanet 1885, MedGen C3541518, MONDO:0007514, OMIM 129600.
Progeroid and marfanoid aspect-lipodystrophy syndrome. Also called: MARFANOID-PROGEROID-LIPODYSTROPHY SYNDROME; MARFANOID-PROGEROID SYNDROME; MARFAN-PROGEROID-LIPODYSTROPHY SYNDROME; Marfan lipodystrophy syndrome. Identifiers: Orphanet 300382, MedGen C4310796, MONDO:0014831, OMIM 616914.
Stiff skin syndrome (SSKS). Identifiers: Orphanet 2833, MedGen C1861456, MONDO:0008492, OMIM 184900.
MASS syndrome (OCTD). Also called: MASS PHENOTYPE; OVERLAP CONNECTIVE TISSUE DISEASE. Identifiers: MedGen C1858556, MONDO:0011431, OMIM 604308.

gnomAD v4.1: 10 of 1,614,068 alleles (0.00062%); highest among the groups gnomAD compares: African/African-American, 0.0013%; no homozygotes.

Submissions (6):

Labcorp Genetics (formerly Invitae), Labcorp
Classification: Likely benign for Marfan syndrome; Familial thoracic aortic aneurysm and aortic dissection. Last evaluated: 2026-01-19. Review status: criteria provided, single submitter. Criteria: Invitae Variant Classification Sherloc (09022015). Collection method: clinical testing. Allele origin: germline.

Color Diagnostics, LLC DBA Color Health
Classification: Uncertain significance for Familial thoracic aortic aneurysm and aortic dissection. Last evaluated: 2025-07-07. Review status: criteria provided, single submitter. Criteria: ACMG Guidelines, 2015. Collection method: clinical testing. Allele origin: germline.
Comment: This missense variant replaces alanine with threonine at codon 2614 of the FBN1 protein. Computational prediction suggests that this variant may not impact protein structure and function. To our knowledge, functional studies have not been reported for this variant. This variant has not been reported in individuals affected with FBN1-related disorders in the literature. This variant has been identified in 2/251062 chromosomes in the general population by the Genome Aggregation Database (gnomAD). The available evidence is insufficient to determine the role of this variant in disease conclusively. Therefore, this variant is classified as a Variant of Uncertain Significance.

All of Us Research Program, National Institutes of Health
Classification: Uncertain significance for Marfan syndrome. Last evaluated: 2024-01-11. Review status: criteria provided, single submitter. Criteria: ACMG Guidelines, 2015. Collection method: clinical testing. Allele origin: germline. Inheritance: Autosomal dominant inheritance. Observed: 4 variant alleles, 4 heterozygotes.
Comment: This missense variant replaces alanine with threonine at codon 2614 of the FBN1 protein. Computational prediction suggests that this variant may not impact protein structure and function (internally defined REVEL score threshold <= 0.5, PMID: 27666373). To our knowledge, functional studies have not been reported for this variant. This variant has not been reported in individuals affected with FBN1-related disorders in the literature. This variant has been identified in 2/251062 chromosomes in the general population by the Genome Aggregation Database (gnomAD). The available evidence is insufficient to determine the role of this variant in disease conclusively. Therefore, this variant is classified as a Variant of Uncertain Significance.

This study involves interpretation of variants in research participants for the purpose of population health screening. Participant phenotype was not available at the time of variant classification. Additional details can be found in publication PMID: 35346344, PMCID: PMC8962531

Ambry Genetics
Classification: Uncertain significance for Familial thoracic aortic aneurysm and aortic dissection. Last evaluated: 2022-12-15. Review status: criteria provided, single submitter. Criteria: Ambry Variant Classification Scheme 2023. Collection method: clinical testing. Allele origin: germline.
Comment: The p.A2614T variant (also known as c.7840G>A), located in coding exon 63 of the FBN1 gene, results from a G to A substitution at nucleotide position 7840. The alanine at codon 2614 is replaced by threonine, an amino acid with similar properties. This amino acid position is not well conserved in available vertebrate species. In addition, the in silico prediction for this alteration is inconclusive. Since supporting evidence is limited at this time, the clinical significance of this alteration remains unclear.

Fulgent Genetics
Classification: Uncertain significance for Acromicric dysplasia; Ectopia lentis 1, isolated, autosomal dominant; Marfan syndrome; Stiff skin syndrome; MASS syndrome; Weill-Marchesani syndrome 2, dominant; Geleophysic dysplasia 2; Progeroid and marfanoid aspect-lipodystrophy syndrome. Last evaluated: 2021-10-16. Review status: criteria provided, single submitter. Criteria: ACMG Guidelines, 2015. Collection method: clinical testing. Allele origin: unknown.

Women's Health and Genetics/Laboratory Corporation of America, LabCorp
Classification: Uncertain significance. Last evaluated: 2021-09-23. Review status: criteria provided, single submitter. Criteria: LabCorp Variant Classification Summary - May 2015. Collection method: clinical testing. Allele origin: germline.
Comment: Variant summary: FBN1 c.7840G>A (p.Ala2614Thr) results in a non-conservative amino acid change located in the EGF-like domain (IPR000742) of the encoded protein sequence. Four of five in-silico tools predict a benign effect of the variant on protein function. The variant allele was found at a frequency of 8e-06 in 251062 control chromosomes (gnomAD database). The available data on variant occurrences in the general population are insufficient to allow any conclusion about variant significance. To our knowledge, no occurrence of c.7840G>A in individuals affected with Marfan Syndrome and no experimental evidence demonstrating its impact on protein function have been reported. No clinical diagnostic laboratories have submitted clinical-significance assessments for this variant to ClinVar after 2014. Based on the evidence outlined above, the variant was classified as uncertain significance.

NM_000138.5(FBN1):c.7840G>A (p.Ala2614Thr)

Gene: FBN1 (fibrillin 1; minus strand). Cytogenetic location: 15q21.1.
Variant type: single nucleotide variant.
Coding change: c.7840G>A on transcript NM_000138.5 (MANE Select); coding-DNA position 7840, G replaced by A.
Protein change: p.Ala2614Thr; replaces alanine 2614 with threonine.
Molecular consequence: missense variant.
Genome position (GRCh38, 1-based): chr15:48,415,747, C>T on the plus strand (G>A on the coding strand, the complement: FBN1 is on the minus strand). VCF-style: chr15-48415747-C-T. GRCh37 (hg19) VCF-style: chr15-48707944-C-T.
Other names: short protein forms A2614T.
Identifiers: ClinVar variation 1301311 (VCV001301311.13), dbSNP rs1280320763, ClinGen allele CA392323423.